The following is an entry in ClinVar:

NM_001267550.2(TTN):c.18704A>G (p.Asn6235Ser)

Genes: TTN (titin; minus strand), LOC126806430 (BRD4-independent group 4 enhancer GRCh37_chr2:179593794-179594993; plus strand). Cytogenetic location: 2q31.2.
Variant type: single nucleotide variant.
Coding change: c.18704A>G on transcript NM_001267550.2 (MANE Select); coding-DNA position 18704, A replaced by G.
Protein change: p.Asn6235Ser; replaces asparagine 6235 with serine.
Molecular consequence: missense variant. On other transcripts: intron variant (3).
Genome position (GRCh38, 1-based): chr2:178,729,452, T>C on the plus strand (A>G on the coding strand, the complement: TTN is on the minus strand). VCF-style: chr2-178729452-T-C. GRCh37 (hg19) VCF-style: chr2-179594179-T-C.
Other names: c.17753A>G, p.Asn5918Ser (NM_001256850.1); c.14972A>G, p.Asn4991Ser (NM_133378.4); c.13282+8630A>G (NM_003319.4); c.13858+8630A>G (NM_133437.4); c.13657+8630A>G (NM_133432.3); short protein forms N4991S, N5918S, N6235S.
Identifiers: ClinVar variation 3252678 (VCV003252678.1), dbSNP rs2079993234.
Genomic context (GRCh38, chr2:178,729,452, plus strand): 5'-TTAAACACAGACACTCTGTCGGTCAATGTGTATTTTTTGCTGCTTCGAATTTCCCTGTTA[T>C]TCTTCAGCCAAGTGACTTCAAACGGAGGTGTTCCCGTAACTTCACACTCCAGCTCCACGT-3'
Protein context (NP_001254479.2, residues 6225-6245): TPPFEVTWLK[Asn6235Ser]NREIRSSKKY

ClinVar aggregate classification (germline): Uncertain significance (1 of 4 stars; one submission).

Allele frequency attached by ClinVar (database versions not stated): gnomAD exomes below 0.00001; gnomAD 0.00001; TOPMed 0.00001.
gnomAD v4.1: 2 of 1,613,552 alleles (0.00012%); highest among the groups gnomAD compares: Non-Finnish European, 0.00017%; no homozygotes.

Submission:

GeneDx
Classification: Uncertain significance. Last evaluated: 2024-03-05. Review status: criteria provided, single submitter. Criteria: GeneDx Variant Classification Process June 2021. Collection method: clinical testing. Allele origin: germline. Affected: yes.
Comment: Not observed at significant frequency in large population cohorts (gnomAD); Missense variant in a gene in which most reported pathogenic variants are truncating/loss of function; Has not been previously published as pathogenic or benign to our knowledge